The following is an entry in ClinVar:

NM_006172.4(NPPA):c.58C>G (p.Leu20Val)

Genes: NPPA (natriuretic peptide A; minus strand), LOC114827827 (VISTA enhancer hs2123; plus strand). Cytogenetic location: 1p36.22.
Variant type: single nucleotide variant.
Coding change: c.58C>G on transcript NM_006172.4 (MANE Select); coding-DNA position 58, C replaced by G.
Protein change: p.Leu20Val; replaces leucine 20 with valine.
Molecular consequence: missense variant.
Genome position (GRCh38, 1-based): chr1:11,847,627, G>C on the plus strand (C>G on the coding strand, the complement: NPPA is on the minus strand). VCF-style: chr1-11847627-G-C. GRCh37 (hg19) VCF-style: chr1-11907684-G-C.
Other names: short protein forms L20V.
Identifiers: ClinVar variation 2836027 (VCV002836027.3), dbSNP rs1388471461, ClinGen allele CA338451942.
Genomic context (GRCh38, chr1:11,847,627, plus strand): 5'-AATCCATCAGGTCTGCGTTGGACACGGCATTGTACATGGGATTAGCTCTGGTCTGACCTA[G>C]GAGCTGGAATGCCAGTAAAAGGAGGAAGCTCACGGTGGTGGTGGAGAAGGAGCTCATGCT-3'
Protein context (NP_006163.1, residues 10-30): SFLLLLAFQL[Leu20Val]GQTRANPMYN

ClinVar aggregate classification (germline): Uncertain significance (1 of 4 stars; one submission).

Conditions:
Atrial fibrillation, familial, 6 (ATFB6). Identifiers: MedGen C2677294, MONDO:0012816, OMIM 612201.

Submission:

Labcorp Genetics (formerly Invitae), Labcorp
Classification: Uncertain significance for Atrial fibrillation, familial, 6. Last evaluated: 2023-02-10. Review status: criteria provided, single submitter. Criteria: Invitae Variant Classification Sherloc (09022015). Collection method: clinical testing. Allele origin: germline.
Comment: This sequence change replaces leucine, which is neutral and non-polar, with valine, which is neutral and non-polar, at codon 20 of the NPPA protein (p.Leu20Val). This variant is not present in population databases (gnomAD no frequency). This variant has not been reported in the literature in individuals affected with NPPA-related conditions. Algorithms developed to predict the effect of missense changes on protein structure and function are either unavailable or do not agree on the potential impact of this missense change (SIFT: "Tolerated"; PolyPhen-2: "Not Available"; Align-GVGD: "Class C0"). In summary, the available evidence is currently insufficient to determine the role of this variant in disease. Therefore, it has been classified as a Variant of Uncertain Significance.